The following is an entry in ClinVar:

ClinVar aggregate classification (germline): Conflicting classifications of pathogenicity. Review status: criteria provided, conflicting classifications (1 of 4 stars). 3 submissions from 3 submitters: Pathogenic (1); Uncertain significance (2). Last evaluated 2023-03-13.

Conditions:
Mucopolysaccharidosis, MPS-IV-A (MPS4A). Also called: Mucopolysaccharidosis Type IVA; GALACTOSAMINE-6-SULFATASE DEFICIENCY; GALNS DEFICIENCY; MORQUIO A DISEASE; MPS IVA; Morquio syndrome A, mild. Identifiers: Orphanet 309297, Orphanet 582, MedGen C0086651, MONDO:0009659, OMIM 253000.

Allele frequency attached by ClinVar (database versions not stated): ExAC 0.00001; gnomAD exomes 0.00001.
gnomAD v4.1: 3 of 1,613,392 alleles (0.00019%); highest among the groups gnomAD compares: Admixed American, 0.0033%; no homozygotes.

Submissions (3):

Labcorp Genetics (formerly Invitae), Labcorp
Classification: Pathogenic for Mucopolysaccharidosis, MPS-IV-A. Last evaluated: 2023-03-13. Review status: criteria provided, single submitter. Criteria: Invitae Variant Classification Sherloc (09022015). Collection method: clinical testing. Allele origin: germline.
Comment: This sequence change replaces aspartic acid, which is acidic and polar, with glutamic acid, which is acidic and polar, at codon 388 of the GALNS protein (p.Asp388Glu). This variant is present in population databases (rs752339162, gnomAD 0.003%). This missense change has been observed in individual(s) with mucopolysaccharidosis type IVA (Invitae). In at least one individual the data is consistent with being in trans (on the opposite chromosome) from a pathogenic variant. It has also been observed to segregate with disease in related individuals. ClinVar contains an entry for this variant (Variation ID: 528322). Advanced modeling of protein sequence and biophysical properties (such as structural, functional, and spatial information, amino acid conservation, physicochemical variation, residue mobility, and thermodynamic stability) has been performed at Invitae for this missense variant, however the output from this modeling did not meet the statistical confidence thresholds required to predict the impact of this variant on GALNS protein function. For these reasons, this variant has been classified as Pathogenic.

Genome-Nilou Lab
Classification: Uncertain significance for Mucopolysaccharidosis, MPS-IV-A. Last evaluated: 2021-11-07. Review status: criteria provided, single submitter. Criteria: ACMG Guidelines, 2015. Collection method: clinical testing. Allele origin: germline. Affected: no.

Laboratory of Diagnosis and Therapy of Lysosomal Disorders, University of Padova
Classification: Uncertain significance for Mucopolysaccharidosis, MPS-IV-A. Last evaluated: 2021-02-01. Review status: criteria provided, single submitter. Criteria: ACMG Guidelines, 2015. Collection method: research. Allele origin: germline. Affected: yes.
Comment: The prevalence of the variant in affected individuals is significantly increased compared with the prevalence in controls (PS4_moderate); very low frequency in gnomAD v2.1.1 (PM2_moderate); multiple lines of computational evidence suggest no impact on gene or gene product (BP4_supporting)

Literature cited by the submitters: PubMed 34387910 (cited by Laboratory of Diagnosis and Therapy of Lysosomal Disorders, University of Padova).

NM_000512.5(GALNS):c.1164C>A (p.Asp388Glu)

Gene: GALNS (galactosamine (N-acetyl)-6-sulfatase; minus strand). Cytogenetic location: 16q24.3.
Variant type: single nucleotide variant.
Coding change: c.1164C>A on transcript NM_000512.5 (MANE Select); coding-DNA position 1164, C replaced by A.
Protein change: p.Asp388Glu; replaces aspartic acid 388 with glutamic acid.
Molecular consequence: missense variant.
Genome position (GRCh38, 1-based): chr16:88,824,845, G>T on the plus strand (C>A on the coding strand, the complement: GALNS is on the minus strand). VCF-style: chr16-88824845-G-T. GRCh37 (hg19) VCF-style: chr16-88891253-G-T.
Other names: c.609C>A, p.Asp203Glu (NM_001323543.2); c.1182C>A, p.Asp394Glu (NM_001323544.2); short protein forms D388E, D394E, D203E.
Identifiers: ClinVar variation 528322 (VCV000528322.18), dbSNP rs752339162, ClinGen allele CA8234784.